The following is an entry in ClinVar:

ClinVar aggregate classification (germline): Uncertain significance (1 of 4 stars; one submission).

Allele frequency attached by ClinVar (database versions not stated): gnomAD exomes below 0.00001.
gnomAD v4.1: 1 of 1,610,310 alleles (0.000062%); highest among the groups gnomAD compares: Non-Finnish European, 0.000085%; no homozygotes.

Submission:

Labcorp Genetics (formerly Invitae), Labcorp
Classification: Uncertain significance. Last evaluated: 2022-01-05. Review status: criteria provided, single submitter. Criteria: Invitae Variant Classification Sherloc (09022015). Collection method: clinical testing. Allele origin: germline.
Comment: In summary, the available evidence is currently insufficient to determine the role of this variant in disease. Therefore, it has been classified as a Variant of Uncertain Significance. Algorithms developed to predict the effect of missense changes on protein structure and function (SIFT, PolyPhen-2, Align-GVGD) all suggest that this variant is likely to be disruptive. This variant has not been reported in the literature in individuals affected with TNNI3K-related conditions. This variant is not present in population databases (gnomAD no frequency). This sequence change replaces histidine, which is basic and polar, with arginine, which is basic and polar, at codon 457 of the TNNI3K protein (p.His457Arg).

NM_015978.3(TNNI3K):c.1370A>G (p.His457Arg)

Genes: FPGT-TNNI3K (FPGT-TNNI3K readthrough; plus strand), TNNI3K (TNNI3 interacting kinase; plus strand). Cytogenetic location: 1p31.1.
Variant type: single nucleotide variant.
Coding change: c.1370A>G on transcript NM_015978.3 (MANE Select); coding-DNA position 1370, A replaced by G.
Protein change: p.His457Arg; replaces histidine 457 with arginine.
Molecular consequence: missense variant.
Genome position (GRCh38, 1-based): chr1:74,369,070, A>G. VCF-style: chr1-74369070-A-G. GRCh37 (hg19) VCF-style: chr1-74834754-A-G.
Other names: c.1673A>G, p.His558Arg (NM_001112808.3, NM_001199327.2); short protein forms H558R, H457R.
Identifiers: ClinVar variation 2075222 (VCV002075222.4), dbSNP rs2524468989, ClinGen allele CA340785805.